The following is an entry in ClinVar:

ClinVar aggregate classification (germline): Uncertain significance (1 of 4 stars; one submission).

Conditions:
Spermatogenic failure 18. Identifiers: MedGen C4539783, MONDO:0054615, OMIM 617576.
Ciliary dyskinesia, primary, 37 (CILD37). Also called: CILIARY DYSKINESIA, PRIMARY, 37, WITH OR WITHOUT SITUS INVERSUS. Identifiers: MedGen C4539798, MONDO:0033204, OMIM 617577.

Allele frequency attached by ClinVar (database versions not stated): TOPMed below 0.00001; gnomAD exomes 0.00001.
gnomAD v4.1: 4 of 1,608,012 alleles (0.00025%); highest among the groups gnomAD compares: Admixed American, 0.0067%; no homozygotes.

Submission:

Labcorp Genetics (formerly Invitae), Labcorp
Classification: Uncertain significance for Ciliary dyskinesia, primary, 37; Spermatogenic failure 18. Last evaluated: 2023-08-04. Review status: criteria provided, single submitter. Criteria: Invitae Variant Classification Sherloc (09022015). Collection method: clinical testing. Allele origin: germline.
Comment: An algorithm developed to predict the effect of missense changes on protein structure and function (PolyPhen-2) suggests that this variant is likely to be tolerated. In summary, the available evidence is currently insufficient to determine the role of this variant in disease. Therefore, it has been classified as a Variant of Uncertain Significance. ClinVar contains an entry for this variant (Variation ID: 1003218). This variant has not been reported in the literature in individuals affected with DNAH1-related conditions. This variant is not present in population databases (gnomAD no frequency). This sequence change replaces leucine, which is neutral and non-polar, with isoleucine, which is neutral and non-polar, at codon 2334 of the DNAH1 protein (p.Leu2334Ile).

NM_015512.5(DNAH1):c.7000C>A (p.Leu2334Ile)

Gene: DNAH1 (dynein axonemal heavy chain 1; plus strand). Cytogenetic location: 3p21.1.
Variant type: single nucleotide variant.
Coding change: c.7000C>A on transcript NM_015512.5 (MANE Select); coding-DNA position 7000, C replaced by A.
Protein change: p.Leu2334Ile; replaces leucine 2334 with isoleucine.
Molecular consequence: missense variant.
Genome position (GRCh38, 1-based): chr3:52,375,254, C>A. VCF-style: chr3-52375254-C-A. GRCh37 (hg19) VCF-style: chr3-52409270-C-A.
Other names: short protein forms L2334I.
Identifiers: ClinVar variation 1003218 (VCV001003218.5), dbSNP rs781069826, ClinGen allele CA353170184.